The following is an entry in ClinVar:

ClinVar aggregate classification (germline): Likely benign (0 of 4 stars; one submission).

Conditions:
MKS1-related disorder. Also called: MKS1-related condition; MKS1-related disorders. Identifiers: MedGen CN239382.

Submission:

PreventionGenetics, part of Exact Sciences
Classification: Likely benign for MKS1-related condition. Last evaluated: 2022-02-28. Review status: no assertion criteria provided. Collection method: clinical testing. Allele origin: germline.
Comment: This variant is classified as likely benign based on ACMG/AMP sequence variant interpretation guidelines (Richards et al. 2015 PMID: 25741868, with internal and published modifications).

NM_017777.4(MKS1):c.12C>G (p.Thr4=)

Genes: MKS1 (MKS transition zone complex subunit 1; minus strand), LOC130061271 (ATAC-STARR-seq lymphoblastoid active region 12461; plus strand). Cytogenetic location: 17q22.
Variant type: single nucleotide variant.
Coding change: c.12C>G on transcript NM_017777.4 (MANE Select); coding-DNA position 12, C replaced by G.
Protein change: p.Thr4=; no amino-acid change (threonine 4 retained).
Molecular consequence: synonymous variant. On other transcripts: 5 prime UTR variant (1).
Genome position (GRCh38, 1-based): chr17:58,219,219, G>C on the plus strand (C>G on the coding strand, the complement: MKS1 is on the minus strand). VCF-style: chr17-58219219-G-C. GRCh37 (hg19) VCF-style: chr17-56296580-G-C.
Other names: c.-500C>G (NM_001321268.2); c.12C>G, p.Thr4= (NM_001321269.2, NM_001330397.2, NM_001411113.1).
Identifiers: ClinVar variation 3355616 (VCV003355616.1).